The following is an entry in ClinVar:

NM_001372.4(DNAH9):c.322C>T (p.Pro108Ser)

Gene: DNAH9 (dynein axonemal heavy chain 9; plus strand). Cytogenetic location: 17p12.
Variant type: single nucleotide variant.
Coding change: c.322C>T on transcript NM_001372.4 (MANE Select); coding-DNA position 322, C replaced by T.
Protein change: p.Pro108Ser; replaces proline 108 with serine.
Molecular consequence: missense variant.
Genome position (GRCh38, 1-based): chr17:11,598,820, C>T. VCF-style: chr17-11598820-C-T. GRCh37 (hg19) VCF-style: chr17-11502137-C-T.
Other names: c.322C>T (NM_001372.3); short protein forms P108S.
Identifiers: ClinVar variation 1960034 (VCV001960034.4), dbSNP rs757449453, ClinGen allele CA8394489.

ClinVar aggregate classification (germline): Uncertain significance. Review status: criteria provided, multiple submitters, no conflicts (2 of 4 stars). 2 submissions from 2 submitters: Uncertain significance (2). Last evaluated 2025-09-28.

Conditions:
Inborn genetic diseases. Identifiers: MedGen C0950123, MeSH D030342.

gnomAD v4.1: 5 of 1,493,632 alleles (0.00033%); highest among the groups gnomAD compares: Admixed American, 0.0044%; no homozygotes.

Submissions (2):

Ambry Genetics
Classification: Uncertain significance for Inborn genetic diseases. Last evaluated: 2025-09-28. Review status: criteria provided, single submitter. Criteria: Ambry Variant Classification Scheme 2023. Collection method: clinical testing. Allele origin: germline.

Labcorp Genetics (formerly Invitae), Labcorp
Classification: Uncertain significance. Last evaluated: 2022-05-17. Review status: criteria provided, single submitter. Criteria: Invitae Variant Classification Sherloc (09022015). Collection method: clinical testing. Allele origin: germline.
Comment: This variant has not been reported in the literature in individuals affected with DNAH9-related conditions. This sequence change replaces proline, which is neutral and non-polar, with serine, which is neutral and polar, at codon 108 of the DNAH9 protein (p.Pro108Ser). The frequency data for this variant in the population databases is considered unreliable, as metrics indicate poor data quality at this position in the gnomAD database. Algorithms developed to predict the effect of missense changes on protein structure and function output the following: SIFT: "Tolerated"; PolyPhen-2: "Benign"; Align-GVGD: "Class C0". The serine amino acid residue is found in multiple mammalian species, which suggests that this missense change does not adversely affect protein function. In summary, the available evidence is currently insufficient to determine the role of this variant in disease. Therefore, it has been classified as a Variant of Uncertain Significance.